The following is an entry in ClinVar:

NM_001211.6(BUB1B):c.398A>G (p.Asn133Ser)

Gene: BUB1B (BUB1 mitotic checkpoint serine/threonine kinase B; plus strand). Cytogenetic location: 15q15.1.
Variant type: single nucleotide variant.
Coding change: c.398A>G on transcript NM_001211.6 (MANE Select); coding-DNA position 398, A replaced by G.
Protein change: p.Asn133Ser; replaces asparagine 133 with serine.
Molecular consequence: missense variant.
Genome position (GRCh38, 1-based): chr15:40,176,490, A>G. VCF-style: chr15-40176490-A-G. GRCh37 (hg19) VCF-style: chr15-40468691-A-G.
Other names: short protein forms N133S.
Identifiers: ClinVar variation 1736749 (VCV001736749.3), dbSNP rs35923791, ClinGen allele CA7475480.
Genomic context (GRCh38, chr15:40,176,490, plus strand): 5'-TCAATACGTGAGTAGAAATTGGTTAACTGTTAACACTTCTGTTACAGGGGCGTTTATGCA[A>G]TGAGCCTTTGGATATGTACAGTTACTTGCACAACCAAGGGATTGGTGTTTCACTTGCTCA-3'
Protein context (NP_001202.5, residues 123-143): NLWLKLGRLC[Asn133Ser]EPLDMYSYLH

ClinVar aggregate classification (germline): Uncertain significance (1 of 4 stars; one submission).

Conditions:
Inborn genetic diseases. Identifiers: MedGen C0950123, MeSH D030342.

Allele frequency attached by ClinVar (database versions not stated): gnomAD exomes 0.00001; ExAC 0.00002; TOPMed 0.00002; gnomAD 0.00005.

Submission:

Ambry Genetics
Classification: Uncertain significance for Inborn genetic diseases. Last evaluated: 2024-05-10. Review status: criteria provided, single submitter. Criteria: Ambry Variant Classification Scheme 2023. Collection method: clinical testing. Allele origin: germline.
Comment: The p.N133S variant (also known as c.398A>G), located in coding exon 5 of the BUB1B gene, results from an A to G substitution at nucleotide position 398. The asparagine at codon 133 is replaced by serine, an amino acid with highly similar properties. This amino acid position is conserved. In addition, this alteration is predicted to be tolerated by in silico analysis. Since supporting evidence is limited at this time, the clinical significance of this alteration remains unclear.